The following is an entry in ClinVar:

NM_000979.4(RPL18):c.322C>T (p.Arg108Trp)

Gene: RPL18 (ribosomal protein L18; minus strand). Cytogenetic location: 19q13.33.
Variant type: single nucleotide variant.
Coding change: c.322C>T on transcript NM_000979.4 (MANE Select); coding-DNA position 322, C replaced by T.
Protein change: p.Arg108Trp; replaces arginine 108 with tryptophan.
Molecular consequence: missense variant. On other transcripts: non-coding transcript variant (1).
Genome position (GRCh38, 1-based): chr19:48,616,178, G>A on the plus strand (C>T on the coding strand, the complement: RPL18 is on the minus strand). VCF-style: chr19-48616178-G-A. GRCh37 (hg19) VCF-style: chr19-49119435-G-A.
Other names: c.235C>T, p.Arg79Trp (NM_001270490.2); c.322C>T (NM_000979.2); short protein forms R79W, R108W.
Identifiers: ClinVar variation 2778215 (VCV002778215.4), dbSNP rs772717055, ClinGen allele CA9554051.

ClinVar aggregate classification (germline): Uncertain significance. Review status: criteria provided, multiple submitters, no conflicts (2 of 4 stars). 2 submissions from 2 submitters: Uncertain significance (2). Last evaluated 2025-07-08.

Allele frequency attached by ClinVar (database versions not stated): TOPMed below 0.00001; gnomAD exomes 0.00001; ExAC 0.00002; gnomAD 0.00002.
gnomAD v4.1: 12 of 1,613,792 alleles (0.00074%); highest among the groups gnomAD compares: South Asian, 0.0022%; no homozygotes.

Submissions (2):

Ambry Genetics
Classification: Uncertain significance. Last evaluated: 2025-07-08. Review status: criteria provided, single submitter. Criteria: Ambry Variant Classification Scheme 2023. Collection method: clinical testing. Allele origin: germline.

Labcorp Genetics (formerly Invitae), Labcorp
Classification: Uncertain significance. Last evaluated: 2024-02-14. Review status: criteria provided, single submitter. Criteria: Invitae Variant Classification Sherloc (09022015). Collection method: clinical testing. Allele origin: germline.
Comment: This sequence change replaces arginine, which is basic and polar, with tryptophan, which is neutral and slightly polar, at codon 108 of the RPL18 protein (p.Arg108Trp). This variant is present in population databases (rs772717055, gnomAD 0.003%). This variant has not been reported in the literature in individuals affected with RPL18-related conditions. An algorithm developed to predict the effect of missense changes on protein structure and function (PolyPhen-2) suggests that this variant is likely to be tolerated. In summary, the available evidence is currently insufficient to determine the role of this variant in disease. Therefore, it has been classified as a Variant of Uncertain Significance.